The following is an entry in ClinVar:

ClinVar aggregate classification (germline): Uncertain significance. Review status: criteria provided, multiple submitters, no conflicts (2 of 4 stars). 3 submissions from 3 submitters: Uncertain significance (3). Last evaluated 2024-10-07.

Conditions:
Spastic paraplegia. Identifiers: MedGen C0037772, HP:0001258.

Allele frequency attached by ClinVar (database versions not stated): ExAC 0.00006; ESP Exome Variant Server 0.00008; gnomAD 0.00009; 1000 Genomes Project 0.00100; 1000 Genomes Project 30x 0.00109.
gnomAD v4.1: 69 of 1,614,192 alleles (0.0043%); highest among the groups gnomAD compares: Middle Eastern, 0.049%; 1 homozygote.

Submissions (3):

Blueprint Genetics
Classification: Uncertain significance. Last evaluated: 2024-10-07. Review status: criteria provided, single submitter. Criteria: ACMG Guidelines, 2015. Collection method: clinical testing. Allele origin: germline.

GeneDx
Classification: Uncertain significance. Last evaluated: 2023-01-03. Review status: criteria provided, single submitter. Criteria: GeneDx Variant Classification Process June 2021. Collection method: clinical testing. Allele origin: germline. Affected: yes.
Comment: In silico analysis supports that this missense variant does not alter protein structure/function; Has not been previously published as pathogenic or benign to our knowledge

Labcorp Genetics (formerly Invitae), Labcorp
Classification: Uncertain significance for Spastic paraplegia. Last evaluated: 2022-05-25. Review status: criteria provided, single submitter. Criteria: Invitae Variant Classification Sherloc (09022015). Collection method: clinical testing. Allele origin: germline.
Comment: This sequence change replaces valine, which is neutral and non-polar, with isoleucine, which is neutral and non-polar, at codon 1400 of the ZFYVE26 protein (p.Val1400Ile). This variant is present in population databases (rs187616174, gnomAD 0.05%). This variant has not been reported in the literature in individuals affected with ZFYVE26-related conditions. Algorithms developed to predict the effect of missense changes on protein structure and function (SIFT, PolyPhen-2, Align-GVGD) all suggest that this variant is likely to be tolerated. In summary, the available evidence is currently insufficient to determine the role of this variant in disease. Therefore, it has been classified as a Variant of Uncertain Significance.

NM_015346.4(ZFYVE26):c.4198G>A (p.Val1400Ile)

Gene: ZFYVE26 (zinc finger FYVE-type containing 26; minus strand). Cytogenetic location: 14q24.1.
Variant type: single nucleotide variant.
Coding change: c.4198G>A on transcript NM_015346.4 (MANE Select); coding-DNA position 4198, G replaced by A.
Protein change: p.Val1400Ile; replaces valine 1400 with isoleucine.
Molecular consequence: missense variant.
Genome position (GRCh38, 1-based): chr14:67,782,954, C>T on the plus strand (G>A on the coding strand, the complement: ZFYVE26 is on the minus strand). VCF-style: chr14-67782954-C-T. GRCh37 (hg19) VCF-style: chr14-68249671-C-T.
Other names: short protein forms V1400I.
Identifiers: ClinVar variation 1810578 (VCV001810578.4), dbSNP rs187616174, ClinGen allele CA7239820.